The following is an entry in ClinVar:

ClinVar aggregate classification (germline): Uncertain significance (1 of 4 stars; one submission).

Conditions:
Frasier syndrome. Identifiers: Orphanet 347, MedGen C0950122, MeSH D052159, MONDO:0007635, OMIM 136680.
Drash syndrome (DDS). Also called: NEPHROPATHY, WILMS TUMOR, AND GENITAL ANOMALIES; WILMS TUMOR AND PSEUDO- OR TRUE HERMAPHRODITISM. Identifiers: Orphanet 220, MedGen C0950121, MONDO:0008682, OMIM 194080.
Wilms tumor 1 (WT1). Also called: Wilms tumor, somatic. Identifiers: Orphanet 654, MedGen CN033288, MONDO:0008679, OMIM 194070.
11p partial monosomy syndrome (WAGR). Also called: WAGR Spectrum Disorder; CHROMOSOME 11p13 DELETION SYNDROME; WAGR syndrome; WAGR Complex. Identifiers: Orphanet 893, MedGen C0206115, MONDO:0008681, OMIM 194072.

Submission:

Labcorp Genetics (formerly Invitae), Labcorp
Classification: Uncertain significance for Wilms tumor 1; Drash syndrome; 11p partial monosomy syndrome; Frasier syndrome. Last evaluated: 2023-04-07. Review status: criteria provided, single submitter. Criteria: Invitae Variant Classification Sherloc (09022015). Collection method: clinical testing. Allele origin: germline.
Comment: This sequence change replaces asparagine, which is neutral and polar, with lysine, which is basic and polar, at codon 77 of the WT1 protein (p.Asn77Lys). This variant is not present in population databases (gnomAD no frequency). This variant has not been reported in the literature in individuals affected with WT1-related conditions. Advanced modeling of protein sequence and biophysical properties (such as structural, functional, and spatial information, amino acid conservation, physicochemical variation, residue mobility, and thermodynamic stability) performed at Invitae indicates that this missense variant is not expected to disrupt WT1 protein function. In summary, the available evidence is currently insufficient to determine the role of this variant in disease. Therefore, it has been classified as a Variant of Uncertain Significance.

NM_024426.6(WT1):c.246C>G (p.Asn82Lys)

Genes: WT1 (WT1 transcription factor; minus strand), LOC107982234 (WT1/WT1-AS bi-directional promoter region; plus strand). Cytogenetic location: 11p13.
Variant type: single nucleotide variant.
Coding change: c.246C>G on transcript NM_024426.6 (MANE Select); coding-DNA position 246, C replaced by G.
Protein change: p.Asn82Lys; replaces asparagine 82 with lysine.
Molecular consequence: missense variant. On other transcripts: non-coding transcript variant (2).
Genome position (GRCh38, 1-based): chr11:32,435,115, G>C on the plus strand (C>G on the coding strand, the complement: WT1 is on the minus strand). VCF-style: chr11-32435115-G-C. GRCh37 (hg19) VCF-style: chr11-32456661-G-C.
Other names: c.246C>G, p.Asn82Lys (NM_000378.6, NM_001407044.1, NM_001407045.1 and 6 more transcripts); c.231C>G, p.Asn77Lys (NM_024425.2); short protein forms N77K, N82K.
Identifiers: ClinVar variation 2946394 (VCV002946394.3), dbSNP rs1205117425, ClinGen allele CA379966076.